The following is an entry in ClinVar:

NM_000352.6(ABCC8):c.202T>C (p.Phe68Leu)

Gene: ABCC8 (ATP binding cassette subfamily C member 8; minus strand). Cytogenetic location: 11p15.1.
Variant type: single nucleotide variant.
Coding change: c.202T>C on transcript NM_000352.6 (MANE Select); coding-DNA position 202, T replaced by C.
Protein change: p.Phe68Leu; replaces phenylalanine 68 with leucine.
Molecular consequence: missense variant. On other transcripts: non-coding transcript variant (1).
Genome position (GRCh38, 1-based): chr11:17,474,974, A>G on the plus strand (T>C on the coding strand, the complement: ABCC8 is on the minus strand). VCF-style: chr11-17474974-A-G. GRCh37 (hg19) VCF-style: chr11-17496521-A-G.
Other names: c.202T>C (NM_000352.4); c.202T>C, p.Phe68Leu (NM_001287174.3, NM_001351295.2, NM_001351296.2 and 1 more transcripts); short protein forms F68L.
Identifiers: ClinVar variation 3685084 (VCV003685084.3).

ClinVar aggregate classification (germline): Uncertain significance. Review status: criteria provided, single submitter (1 of 4 stars). 2 submissions from 2 submitters: Uncertain significance (1). 1 of the submissions does not count toward it. Last evaluated 2024-06-01.

Conditions:
Hereditary hyperinsulinism.

gnomAD v4.1: 2 of 1,614,148 alleles (0.00012%); highest among the groups gnomAD compares: Non-Finnish European, 0.00017%; no homozygotes.

Submissions (2):

Labcorp Genetics (formerly Invitae), Labcorp
Classification: Uncertain significance. Last evaluated: 2024-06-01. Review status: criteria provided, single submitter. Criteria: Invitae Variant Classification Sherloc (09022015). Collection method: clinical testing. Allele origin: germline.
Comment: This sequence change replaces phenylalanine, which is neutral and non-polar, with leucine, which is neutral and non-polar, at codon 68 of the ABCC8 protein (p.Phe68Leu). This variant is not present in population databases (gnomAD no frequency). This variant has not been reported in the literature in individuals affected with ABCC8-related conditions. Advanced modeling of protein sequence and biophysical properties (such as structural, functional, and spatial information, amino acid conservation, physicochemical variation, residue mobility, and thermodynamic stability) has been performed at Invitae for this missense variant, however the output from this modeling did not meet the statistical confidence thresholds required to predict the impact of this variant on ABCC8 protein function. In summary, the available evidence is currently insufficient to determine the role of this variant in disease. Therefore, it has been classified as a Variant of Uncertain Significance.

Natera, Inc.
Classification: Uncertain significance for Hereditary hyperinsulinism. Last evaluated: 2025-04-25. Review status: no assertion criteria provided. Collection method: clinical testing. Allele origin: germline. Not counted in ClinVar's aggregate classification.